The following is an entry in ClinVar:

ClinVar aggregate classification (germline): Uncertain significance. Review status: criteria provided, multiple submitters, no conflicts (2 of 4 stars). 2 submissions from 2 submitters: Uncertain significance (2). Last evaluated 2024-05-16.

Conditions:
Dilated cardiomyopathy 1DD (CMD1DD). Identifiers: Orphanet 154, MedGen C2750995, MONDO:0013168, OMIM 613172.

Allele frequency attached by ClinVar (database versions not stated): gnomAD exomes below 0.00001.
gnomAD v4.1: 3 of 1,531,978 alleles (0.0002%); highest among the groups gnomAD compares: Non-Finnish European, 0.00026%; no homozygotes.

Submissions (2):

Labcorp Genetics (formerly Invitae), Labcorp
Classification: Uncertain significance for Dilated cardiomyopathy 1DD. Last evaluated: 2024-05-16. Review status: criteria provided, single submitter. Criteria: Invitae Variant Classification Sherloc (09022015). Collection method: clinical testing. Allele origin: germline.
Comment: This sequence change replaces asparagine, which is neutral and polar, with isoleucine, which is neutral and non-polar, at codon 72 of the RBM20 protein (p.Asn72Ile). This variant is not present in population databases (gnomAD no frequency). This missense change has been observed in individual(s) with sudden cardiac arrest (PMID: 33789662). ClinVar contains an entry for this variant (Variation ID: 943943). Advanced modeling of protein sequence and biophysical properties (such as structural, functional, and spatial information, amino acid conservation, physicochemical variation, residue mobility, and thermodynamic stability) performed at Invitae indicates that this missense variant is not expected to disrupt RBM20 protein function with a negative predictive value of 95%. In summary, the available evidence is currently insufficient to determine the role of this variant in disease. Therefore, it has been classified as a Variant of Uncertain Significance.

GeneDx
Classification: Uncertain significance. Last evaluated: 2023-10-11. Review status: criteria provided, single submitter. Criteria: GeneDx Variant Classification Process June 2021. Collection method: clinical testing. Allele origin: germline. Affected: yes.
Comment: Has been reported as a variant of uncertain significance in an individual with sudden unexplained death who also harbored a variant of uncertain significance in the SCN5A gene (Schon et al., 2021).; Not observed at significant frequency in large population cohorts (gnomAD); In silico analysis supports that this missense variant does not alter protein structure/function; This variant is associated with the following publications: (PMID: 33789662)

Literature cited by the submitters: PubMed 33789662 (cited by Labcorp Genetics (formerly Invitae), Labcorp).

NM_001134363.3(RBM20):c.215A>T (p.Asn72Ile)

Gene: RBM20 (RNA binding motif protein 20; plus strand). Cytogenetic location: 10q25.2.
Variant type: single nucleotide variant.
Coding change: c.215A>T on transcript NM_001134363.3 (MANE Select); coding-DNA position 215, A replaced by T.
Protein change: p.Asn72Ile; replaces asparagine 72 with isoleucine.
Molecular consequence: missense variant.
Genome position (GRCh38, 1-based): chr10:110,780,824, A>T. VCF-style: chr10-110780824-A-T. GRCh37 (hg19) VCF-style: chr10-112540582-A-T.
Other names: c.215A>T (NM_001134363.1); short protein forms N72I.
Identifiers: ClinVar variation 943943 (VCV000943943.10), dbSNP rs1372553161, ClinGen allele CA378378963.
Genomic context (GRCh38, chr10:110,780,824, plus strand): 5'-AAACCAGCTGTGCATCTAGACCTCTGTCTTCCCACAGTGCCGCCAAGCTCCTGGACAAGA[A>T]CCCATTCTCGGTCAGTAACCCGAACCCTCTGCTTCCTTCACCTGCCAGTCTCCAGCTGGC-3'
Protein context (NP_001127835.2, residues 62-82): IQNAAKLLDK[Asn72Ile]PFSVSNPNPL